The following is an entry in ClinVar:

NM_005085.4(NUP214):c.3477T>C (p.Ala1159=)

Gene: NUP214 (nucleoporin 214; plus strand). Cytogenetic location: 9q34.13.
Variant type: single nucleotide variant.
Coding change: c.3477T>C on transcript NM_005085.4 (MANE Select); coding-DNA position 3477, T replaced by C.
Protein change: p.Ala1159=; no amino-acid change (alanine 1159 retained).
Molecular consequence: synonymous variant.
Genome position (GRCh38, 1-based): chr9:131,187,346, T>C. VCF-style: chr9-131187346-T-C. GRCh37 (hg19) VCF-style: chr9-134062733-T-C.
Other names: c.3447T>C, p.Ala1149= (NM_001318324.2).
Identifiers: ClinVar variation 3037789 (VCV003037789.2), dbSNP rs61751471, ClinGen allele CA5289627.

ClinVar aggregate classification (germline): Benign (0 of 4 stars; one submission).

Conditions:
NUP214-related disorder. Also called: NUP214-related condition; NUP214-related disorders.

Allele frequency attached by ClinVar (database versions not stated): gnomAD exomes 0.02875; ExAC 0.03160; 1000 Genomes Project 0.04054; 1000 Genomes Project 30x 0.04169; gnomAD 0.04419; ESP Exome Variant Server 0.04506; TOPMed 0.04623.
gnomAD v4.1: 48,775 of 1,611,788 alleles (3%); highest among the groups gnomAD compares: African/African-American, 9.4%; 997 homozygotes.

Submission:

PreventionGenetics, part of Exact Sciences
Classification: Benign for NUP214-related condition. Last evaluated: 2020-01-21. Review status: no assertion criteria provided. Collection method: clinical testing. Allele origin: germline.
Comment: This variant is classified as benign based on ACMG/AMP sequence variant interpretation guidelines (Richards et al. 2015 PMID: 25741868, with internal and published modifications).